The following is an entry in ClinVar:

NM_000059.4(BRCA2):c.8462T>C (p.Ile2821Thr)

Gene: BRCA2 (BRCA2 DNA repair associated; plus strand). Cytogenetic location: 13q13.1.
Variant type: single nucleotide variant.
Coding change: c.8462T>C on transcript NM_000059.4 (MANE Select); coding-DNA position 8462, T replaced by C.
Protein change: p.Ile2821Thr; replaces isoleucine 2821 with threonine.
Molecular consequence: missense variant.
Genome position (GRCh38, 1-based): chr13:32,370,532, T>C. VCF-style: chr13-32370532-T-C. GRCh37 (hg19) VCF-style: chr13-32944669-T-C.
Other names: short protein forms I2821T.
Identifiers: ClinVar variation 52595 (VCV000052595.13), dbSNP rs80359096, ClinGen allele CA025654.

ClinVar aggregate classification (germline): Conflicting classifications of pathogenicity. Review status: criteria provided, conflicting classifications (1 of 4 stars). 5 submissions from 5 submitters: Uncertain significance (2); Likely benign (1). 2 of the submissions do not count toward it. Last evaluated 2025-10-08.

Conditions:
Hereditary breast ovarian cancer syndrome. Also called: Hereditary breast and ovarian cancer syndrome; Hereditary breast and ovarian cancer; Hereditary breast and ovarian cancer syndrome (HBOC); Breast and ovarian cancer; Hereditary breast and/or ovarian cancer syndrome; BRCA1- and BRCA2-Associated Hereditary Breast and Ovarian Cancer. Identifiers: Orphanet 145, MedGen C0677776, MeSH D061325, MONDO:0003582. Disease mechanism: loss of function.
Hereditary cancer-predisposing syndrome. Also called: Neoplastic Syndromes, Hereditary; Tumor predisposition; Hereditary neoplastic syndrome; Hereditary Cancer Syndrome. Identifiers: Orphanet 140162, MedGen C0027672, MeSH D009386, MONDO:0015356.
Breast-ovarian cancer, familial, susceptibility to, 2 (BROVCA2). Also called: BRCA2 Hereditary Breast and Ovarian Cancer. Identifiers: Orphanet 145, MedGen C2675520, MONDO:0012933, OMIM 612555. Disease mechanism: loss of function.

Submissions (5):

Labcorp Genetics (formerly Invitae), Labcorp
Classification: Uncertain significance for Hereditary breast ovarian cancer syndrome. Last evaluated: 2025-10-08. Review status: criteria provided, single submitter. Criteria: Invitae Variant Classification Sherloc (09022015). Collection method: clinical testing. Allele origin: germline.
Comment: This sequence change replaces isoleucine, which is neutral and non-polar, with threonine, which is neutral and polar, at codon 2821 of the BRCA2 protein (p.Ile2821Thr). This variant is not present in population databases (gnomAD no frequency). This variant has not been reported in the literature in individuals affected with BRCA2-related conditions. ClinVar contains an entry for this variant (Variation ID: 52595). Invitae Evidence Modeling incorporating data from in vitro experimental studies (PMID: 33609447) indicates that this missense variant is not expected to disrupt BRCA2 function with a negative predictive value of 95%. Experimental studies have shown that this missense change does not substantially affect BRCA2 function (PMID: 29394989). In summary, the available evidence is currently insufficient to determine the role of this variant in disease. Therefore, it has been classified as a Variant of Uncertain Significance.

Women's Health and Genetics/Laboratory Corporation of America, LabCorp
Classification: Uncertain significance. Last evaluated: 2023-12-04. Review status: criteria provided, single submitter. Criteria: LabCorp Variant Classification Summary - May 2015. Collection method: clinical testing. Allele origin: germline.
Comment: Variant summary: BRCA2 c.8462T>C (p.Ile2821Thr) results in a non-conservative amino acid change located in the BRCA2, OB2 domain (IPR048262) of the encoded protein sequence. Three of five in-silico tools predict a damaging effect of the variant on protein function. The variant was absent in 251406 control chromosomes. The available data on variant occurrences in the general population are insufficient to allow any conclusion about variant significance. To our knowledge, no occurrence of c.8462T>C in individuals affected with Prostate Cancer or other BRCA2-related diseases has been reported. At least one publication reports experimental evidence evaluating an impact on protein function. These results showed no damaging effect of this variant using HDR assays, which has been recognized a gold standard by the ClinGen Sequence Variant Interpretation (SVI) working group (Guidugli_2018, Richardson_2021). The following publications have been ascertained in the context of this evaluation (PMID: 29394989, 33609447). Two submitters have cited clinical-significance assessments for this variant to ClinVar after 2014. One submitter classified the variant as likely benign, and one submitter classified the variant as uncertain significance. Based on the evidence outlined above, the variant was classified as uncertain significance.

Ambry Genetics
Classification: Likely benign for Hereditary cancer-predisposing syndrome. Last evaluated: 2019-12-06. Review status: criteria provided, single submitter. Criteria: Ambry Variant Classification Scheme 2023. Collection method: clinical testing. Allele origin: germline.

Breast Cancer Information Core (BIC) (BRCA2)
Classification: Uncertain significance for Breast-ovarian cancer, familial 2. Review status: no assertion criteria provided. Collection method: clinical testing. Allele origin: germline. Affected: yes. Observed: 1 variant allele. Not counted in ClinVar's aggregate classification.

Department of Pathology and Laboratory Medicine, Sinai Health System
Classification: Uncertain significance. Review status: no assertion criteria provided. Collection method: clinical testing. Allele origin: unknown. Affected: yes. Observed: 1 variant allele. Study: The Canadian Open Genetics Repository (COGR). Not counted in ClinVar's aggregate classification.
Comment: The p.Ile2821Thr variant has been reported once in the literature in an in silico study that used a computational method to determine the pathogenicity of various BRCA2 variants (the result was equivocal for this variant). However, since the number of proband or control chromosomes was not provided, the variant frequency in the general population cannot be determined (Karchin 2008). It is reported in the BIC database once, as a variant with no known clinical significance. It is listed in dbSNP database as coming from a "clinical source" (ID#: rs80359096) but no frequency information was provided and therefore is not very informative for assessing the population frequency. This residue is not conserved in mammals but computational analyses (PolyPhen, SIFT, AlignGVGD, BLOSSUM) suggest that the p.Ile2821Thr variant may impact the protein. Furthermore, the p.Ile2821Thr variant occurs outside of the splicing consensus sequence but in-silico prediction software (SpliceSiteFinder, MaxEntScan, NNSPLICE, GeneSplicer, HumanSpliceFinder) predicts a greater than 10% difference in splicing in 2 of 5 different programs. This information is also not predictive enough to assume pathogenicity. In summary, based on the above information, the clinical significance of this variant cannot be determined at this time. This variant is classified as a variant of unknown significance.

Literature cited by the submitters: PubMed 33609447 (cited by Labcorp Genetics (formerly Invitae), Labcorp and Women's Health and Genetics/Laboratory Corporation of America, LabCorp); PubMed 29394989 (cited by 3 submitters); PubMed 19043619 (cited by Ambry Genetics).